The following is an entry in ClinVar:

ClinVar aggregate classification (germline): Likely benign (1 of 4 stars; one submission).

Allele frequency attached by ClinVar (database versions not stated): gnomAD 0.00170; ExAC 0.00173; ESP Exome Variant Server 0.00192; gnomAD exomes 0.00196; TOPMed 0.00203; 1000 Genomes Project 0.00260; 1000 Genomes Project 30x 0.00281.
gnomAD v4.1: 3,165 of 1,613,188 alleles (0.2%); highest among the groups gnomAD compares: Admixed American, 0.55%; 5 homozygotes.

Submission:

CeGaT Center for Human Genetics Tuebingen
Classification: Likely benign. Last evaluated: 2022-11-01. Review status: criteria provided, single submitter. Criteria: CeGaT Center For Human Genetics Tuebingen Variant Classification Criteria Version 2. Collection method: clinical testing. Allele origin: germline. Affected: yes. Observed: 1 variant allele.
Comment: ZNF557: BP4, BS2

NM_024341.3(ZNF557):c.32-4C>G

Gene: ZNF557 (zinc finger protein 557; plus strand). Cytogenetic location: 19p13.2.
Variant type: single nucleotide variant.
Coding change: c.32-4C>G on transcript NM_024341.3 (MANE Select); 4 bases into the intron before coding-DNA position 32, C replaced by G.
Molecular consequence: intron variant.
Genome position (GRCh38, 1-based): chr19:7,075,651, C>G. VCF-style: chr19-7075651-C-G. GRCh37 (hg19) VCF-style: chr19-7075662-C-G.
Other names: c.32-25C>G (NM_001044388.2); c.32-4C>G (NM_001044387.2).
Identifiers: ClinVar variation 2649149 (VCV002649149.24), dbSNP rs75879765, ClinGen allele CA9134720.